The following is an entry in ClinVar:

NM_000059.4(BRCA2):c.7750G>T (p.Gly2584Cys)

Gene: BRCA2 (BRCA2 DNA repair associated; plus strand). Cytogenetic location: 13q13.1.
Variant type: single nucleotide variant.
Coding change: c.7750G>T on transcript NM_000059.4 (MANE Select); coding-DNA position 7750, G replaced by T.
Protein change: p.Gly2584Cys; replaces glycine 2584 with cysteine.
Molecular consequence: missense variant.
Genome position (GRCh38, 1-based): chr13:32,357,874, G>T. VCF-style: chr13-32357874-G-T. GRCh37 (hg19) VCF-style: chr13-32932011-G-T.
Other names: short protein forms G2584C.
Identifiers: ClinVar variation 482996 (VCV000482996.6), dbSNP rs1555286436, ClinGen allele CA387745750.

ClinVar aggregate classification (germline): Conflicting classifications of pathogenicity. Review status: criteria provided, conflicting classifications (1 of 4 stars). 2 submissions from 2 submitters: Uncertain significance (1); Likely benign (1). Last evaluated 2025-02-19.

Conditions:
Hereditary cancer-predisposing syndrome. Also called: Neoplastic Syndromes, Hereditary; Tumor predisposition; Hereditary Cancer Syndrome; Hereditary neoplastic syndrome. Identifiers: Orphanet 140162, MedGen C0027672, MeSH D009386, MONDO:0015356.

Submissions (2):

Color Diagnostics, LLC DBA Color Health
Classification: Uncertain significance for Hereditary cancer-predisposing syndrome. Last evaluated: 2025-02-19. Review status: criteria provided, single submitter. Criteria: ACMG Guidelines, 2015. Collection method: clinical testing. Allele origin: germline.
Comment: This missense variant replaces glycine with cysteine at codon 2584 of the BRCA2 protein. Computational prediction suggests that this variant may have deleterious impact on protein structure and function. Functional studies have reported discordant findings for this variant ranging from no impact in a homology-directed DNA repair assay (PMID: 33609447), rescue of growth and cisplatin and PARP inhibitor sensitivity assays in murine Brca2- or human BRCA2-deficient cells (PMID: 32444794, 39779848) to inconclusive impact in another homology-directed DNA repair assay (PMID: 397798570) and partially defective in a carboplatin sensitivity assay (PMID: 32444794). To our knowledge, this variant has not been reported in individuals affected with BRCA2-related disorders in the literature. This variant has not been identified in the general population by the Genome Aggregation Database (gnomAD). The available evidence is insufficient to determine the role of this variant in disease conclusively. Therefore, this variant is classified as a Variant of Uncertain Significance.

Ambry Genetics
Classification: Likely benign for Hereditary cancer-predisposing syndrome. Last evaluated: 2020-02-25. Review status: criteria provided, single submitter. Criteria: Ambry Variant Classification Scheme 2023. Collection method: clinical testing. Allele origin: germline.

Literature cited by the submitters: PubMed 32444794 (cited by Color Diagnostics, LLC DBA Color Health); PubMed 33609447 (cited by Color Diagnostics, LLC DBA Color Health); PubMed 39779848 (cited by Color Diagnostics, LLC DBA Color Health).